The following is an entry in ClinVar:

ClinVar aggregate classification (germline): Uncertain significance (1 of 4 stars; one submission).

gnomAD v4.1: 1 of 1,613,834 alleles (0.000062%); highest among the groups gnomAD compares: Non-Finnish European, 0.000085%; no homozygotes.

Submission:

Labcorp Genetics (formerly Invitae), Labcorp
Classification: Uncertain significance. Last evaluated: 2025-12-09. Review status: criteria provided, single submitter. Criteria: Invitae Variant Classification Sherloc (09022015). Collection method: clinical testing. Allele origin: germline.
Comment: This sequence change replaces alanine, which is neutral and non-polar, with threonine, which is neutral and polar, at codon 275 of the CEP63 protein (p.Ala275Thr). This variant is present in population databases (rs375523331, gnomAD 0.0009%). This variant has not been reported in the literature in individuals affected with CEP63-related conditions. Invitae Evidence Modeling of protein sequence and biophysical properties (such as structural, functional, and spatial information, amino acid conservation, physicochemical variation, residue mobility, and thermodynamic stability) indicates that this missense variant is not expected to disrupt CEP63 protein function with a negative predictive value of 80%. In summary, the available evidence is currently insufficient to determine the role of this variant in disease. Therefore, it has been classified as a Variant of Uncertain Significance.

NM_001353108.3(CEP63):c.823G>A (p.Ala275Thr)

Gene: CEP63 (centrosomal protein 63; plus strand). Cytogenetic location: 3q22.2.
Variant type: single nucleotide variant.
Coding change: c.823G>A on transcript NM_001353108.3 (MANE Select); coding-DNA position 823, G replaced by A.
Protein change: p.Ala275Thr; replaces alanine 275 with threonine.
Molecular consequence: missense variant. On other transcripts: non-coding transcript variant (4).
Genome position (GRCh38, 1-based): chr3:134,546,182, G>A. VCF-style: chr3-134546182-G-A. GRCh37 (hg19) VCF-style: chr3-134265024-G-A.
Other names: c.823G>A, p.Ala275Thr (NM_001353121.2, NM_001353122.1, NM_001353123.2 and 13 more transcripts); c.739G>A, p.Ala247Thr (NM_001353125.2); c.460G>A, p.Ala154Thr (NM_001353126.2); c.850G>A, p.Ala284Thr (NM_001353118.1); short protein forms A247T, A284T, A154T, A275T.
Identifiers: ClinVar variation 4761021 (VCV004761021.1).